The following is an entry in ClinVar:

ClinVar aggregate classification (germline): Uncertain significance (1 of 4 stars; one submission).

Conditions:
Renal cell carcinoma. Identifiers: Orphanet 217071, MedGen C0007134, MeSH D002292, MONDO:0005086, HP:0005584.

Submission:

Labcorp Genetics (formerly Invitae), Labcorp
Classification: Uncertain significance for Renal cell carcinoma. Last evaluated: 2025-09-27. Review status: criteria provided, single submitter. Criteria: Invitae Variant Classification Sherloc (09022015). Collection method: clinical testing. Allele origin: germline.
Comment: This sequence change replaces lysine, which is basic and polar, with glutamic acid, which is acidic and polar, at codon 894 of the MET protein (p.Lys894Glu). This variant is not present in population databases (gnomAD no frequency). This variant has not been reported in the literature in individuals affected with MET-related conditions. Invitae Evidence Modeling of protein sequence and biophysical properties (such as structural, functional, and spatial information, amino acid conservation, physicochemical variation, residue mobility, and thermodynamic stability) indicates that this missense variant is expected to disrupt MET protein function with a positive predictive value of 80%. In summary, the available evidence is currently insufficient to determine the role of this variant in disease. Therefore, it has been classified as a Variant of Uncertain Significance.

NM_000245.4(MET):c.2626A>G (p.Lys876Glu)

Gene: MET (MET proto-oncogene, receptor tyrosine kinase; plus strand). Cytogenetic location: 7q31.2.
Variant type: single nucleotide variant.
Coding change: c.2626A>G on transcript NM_000245.4 (MANE Select); coding-DNA position 2626, A replaced by G.
Protein change: p.Lys876Glu; replaces lysine 876 with glutamic acid.
Molecular consequence: missense variant.
Genome position (GRCh38, 1-based): chr7:116,769,687, A>G. VCF-style: chr7-116769687-A-G. GRCh37 (hg19) VCF-style: chr7-116409741-A-G.
Other names: c.2680A>G, p.Lys894Glu (NM_001127500.3); c.2626A>G, p.Lys876Glu (NM_001324401.3); c.1336A>G, p.Lys446Glu (NM_001324402.2); short protein forms K446E, K894E, K876E.
Identifiers: ClinVar variation 4739632 (VCV004739632.1).